The following is an entry in ClinVar:

NM_000038.6(APC):c.5658A>G (p.Glu1886=)

Gene: APC (APC regulator of Wnt signaling pathway; plus strand). Cytogenetic location: 5q22.2.
Variant type: single nucleotide variant.
Coding change: c.5658A>G on transcript NM_000038.6 (MANE Select); coding-DNA position 5658, A replaced by G.
Protein change: p.Glu1886=; no amino-acid change (glutamic acid 1886 retained).
Molecular consequence: synonymous variant.
Genome position (GRCh38, 1-based): chr5:112,841,252, A>G. VCF-style: chr5-112841252-A-G. GRCh37 (hg19) VCF-style: chr5-112176949-A-G.
Other names: c.5658A>G, p.Glu1886= (NM_001127510.3, NM_001354895.2); c.5604A>G, p.Glu1868= (NM_001127511.3); c.5712A>G, p.Glu1904= (NM_001354896.2); c.5688A>G, p.Glu1896= (NM_001354897.2); c.5583A>G, p.Glu1861= (NM_001354898.2); c.5574A>G, p.Glu1858= (NM_001354899.2); c.5535A>G, p.Glu1845= (NM_001354900.2); c.5481A>G, p.Glu1827= (NM_001354901.2); and 5 more.
Identifiers: ClinVar variation 490312 (VCV000490312.8), dbSNP rs1417046511, ClinGen allele CA446208994.

ClinVar aggregate classification (germline): Conflicting classifications of pathogenicity. Review status: criteria provided, conflicting classifications (1 of 4 stars). 3 submissions from 3 submitters: Uncertain significance (1); Likely benign (2). Last evaluated 2023-12-01.

Conditions:
APC-Associated Polyposis Disorders.
Hereditary cancer-predisposing syndrome. Also called: Hereditary Cancer Syndrome; Neoplastic Syndromes, Hereditary; Tumor predisposition; Hereditary neoplastic syndrome. Identifiers: Orphanet 140162, MedGen C0027672, MeSH D009386, MONDO:0015356.
Classic or attenuated familial adenomatous polyposis. Identifiers: MedGen CN372698, MONDO:0021057.

Allele frequency attached by ClinVar (database versions not stated): gnomAD exomes 0.00001.
gnomAD v4.1: 4 of 1,613,846 alleles (0.00025%); no homozygotes.

Submissions (3):

All of Us Research Program, National Institutes of Health
Classification: Likely benign for Classic or attenuated familial adenomatous polyposis. Last evaluated: 2023-12-01. Review status: criteria provided, single submitter. Criteria: ACMG Guidelines, 2015. Collection method: clinical testing. Allele origin: germline. Inheritance: Autosomal dominant inheritance. Observed: 1 variant allele, 1 heterozygote.
Comment: This study involves interpretation of variants in research participants for the purpose of population health screening. Participant phenotype was not available at the time of variant classification. Additional details can be found in publication PMID: 35346344, PMCID: PMC8962531

Illumina Laboratory Services, Illumina
Classification: Uncertain significance for APC-Associated Polyposis Disorders. Last evaluated: 2018-01-13. Review status: criteria provided, single submitter. Criteria: ICSL Variant Classification Criteria 13 December 2019. Collection method: clinical testing. Allele origin: germline.

Color Diagnostics, LLC DBA Color Health
Classification: Likely benign for Hereditary cancer-predisposing syndrome. Last evaluated: 2016-12-22. Review status: criteria provided, single submitter. Criteria: ACMG Guidelines, 2015. Collection method: clinical testing. Allele origin: germline.